The following is an entry in ClinVar:

ClinVar aggregate classification (germline): Uncertain significance. Review status: criteria provided, multiple submitters, no conflicts (2 of 4 stars). 3 submissions from 3 submitters: Uncertain significance (3). Last evaluated 2024-02-26.

Conditions:
Familial sleep-related hypermotor epilepsy. Also called: Autosomal Dominant Sleep-Related Hypermotor (Hyperkinetic) Epilepsy. Identifiers: Orphanet 98784, MedGen C3696898, MONDO:0000030.

Allele frequency attached by ClinVar (database versions not stated): gnomAD 0.00001; gnomAD exomes 0.00001; 1000 Genomes Project 30x 0.00016; TOPMed below 0.00001.
gnomAD v4.1: 14 of 1,478,014 alleles (0.00095%); highest among the groups gnomAD compares: East Asian, 0.0029%; no homozygotes.

Submissions (3):

Labcorp Genetics (formerly Invitae), Labcorp
Classification: Uncertain significance. Last evaluated: 2024-02-26. Review status: criteria provided, single submitter. Criteria: Invitae Variant Classification Sherloc (09022015). Collection method: clinical testing. Allele origin: germline.
Comment: This sequence change replaces leucine, which is neutral and non-polar, with proline, which is neutral and non-polar, at codon 15 of the CHRNA4 protein (p.Leu15Pro). This variant is not present in population databases (gnomAD no frequency). This variant has not been reported in the literature in individuals affected with CHRNA4-related conditions. ClinVar contains an entry for this variant (Variation ID: 288991). Experimental studies and prediction algorithms are not available or were not evaluated, and the functional significance of this variant is currently unknown. In summary, the available evidence is currently insufficient to determine the role of this variant in disease. Therefore, it has been classified as a Variant of Uncertain Significance.

GeneDx
Classification: Uncertain significance. Last evaluated: 2019-10-17. Review status: criteria provided, single submitter. Criteria: GeneDx Variant Classification Process June 2021. Collection method: clinical testing. Allele origin: germline. Affected: yes.
Comment: In silico analysis, which includes protein predictors and evolutionary conservation, supports that this variant does not alter protein structure/function; Has not been previously published as pathogenic or benign to our knowledge; No data available from control populations to assess the frequency of this variant

Eurofins Ntd Llc (ga)
Classification: Uncertain significance. Last evaluated: 2016-07-21. Review status: criteria provided, single submitter. Criteria: EGL Classification Definitions 2015. Collection method: clinical testing. Allele origin: germline. Observed: 2 variant alleles, 2 heterozygotes.

NM_000744.7(CHRNA4):c.44T>C (p.Leu15Pro)

Genes: CHRNA4 (cholinergic receptor nicotinic alpha 4 subunit; minus strand), LOC100130587 (uncharacterized LOC100130587; plus strand). Cytogenetic location: 20q13.33.
Variant type: single nucleotide variant.
Coding change: c.44T>C on transcript NM_000744.7 (MANE Select); coding-DNA position 44, T replaced by C.
Protein change: p.Leu15Pro; replaces leucine 15 with proline.
Molecular consequence: missense variant. On other transcripts: non-coding transcript variant (1), intron variant (1).
Genome position (GRCh38, 1-based): chr20:63,361,122, A>G on the plus strand (T>C on the coding strand, the complement: CHRNA4 is on the minus strand). VCF-style: chr20-63361122-A-G. GRCh37 (hg19) VCF-style: chr20-61992474-A-G.
Other names: c.-471+55T>C (NM_001256573.2); short protein forms L15P.
Identifiers: ClinVar variation 288991 (VCV000288991.12), dbSNP rs886044055, ClinGen allele CA10606290.